The following is an entry in ClinVar:

ClinVar aggregate classification (germline): Pathogenic. Review status: reviewed by expert panel (3 of 4 stars). 4 submissions from 4 submitters: Pathogenic (1). 3 of the submissions do not count toward it. Last evaluated 2016-09-08.

Conditions:
Hereditary breast ovarian cancer syndrome. Also called: Hereditary breast and ovarian cancer syndrome; Hereditary breast and ovarian cancer; Hereditary breast and ovarian cancer syndrome (HBOC); Breast and ovarian cancer; Hereditary breast and/or ovarian cancer syndrome; BRCA1- and BRCA2-Associated Hereditary Breast and Ovarian Cancer. Identifiers: Orphanet 145, MedGen C0677776, MeSH D061325, MONDO:0003582. Disease mechanism: loss of function.
Hereditary cancer-predisposing syndrome. Also called: Neoplastic Syndromes, Hereditary; Tumor predisposition; Hereditary neoplastic syndrome; Hereditary Cancer Syndrome. Identifiers: Orphanet 140162, MedGen C0027672, MeSH D009386, MONDO:0015356.
Breast-ovarian cancer, familial, susceptibility to, 2 (BROVCA2). Also called: BRCA2 Hereditary Breast and Ovarian Cancer. Identifiers: Orphanet 145, MedGen C2675520, MONDO:0012933, OMIM 612555. Disease mechanism: loss of function.

Submissions (4):

Evidence-based Network for the Interpretation of Germline Mutant Alleles (ENIGMA)
Classification: Pathogenic for Breast-ovarian cancer, familial, susceptibility to, 2. Last evaluated: 2016-09-08. Review status: reviewed by expert panel. Criteria: ENIGMA BRCA1/2 Classification Criteria (2015). Collection method: curation. Allele origin: germline.
Comment: Variant allele predicted to encode a truncated non-functional protein.

Labcorp Genetics (formerly Invitae), Labcorp
Classification: Pathogenic for Hereditary breast ovarian cancer syndrome. Last evaluated: 2025-10-30. Review status: criteria provided, single submitter. Criteria: Invitae Variant Classification Sherloc (09022015). Collection method: clinical testing. Allele origin: germline. Not counted in ClinVar's aggregate classification.
Comment: This sequence change creates a premature translational stop signal (p.Leu164*) in the BRCA2 gene. It is expected to result in an absent or disrupted protein product. Loss-of-function variants in BRCA2 are known to be pathogenic (PMID: 20104584). This variant is not present in population databases (gnomAD no frequency). This variant has not been reported in the literature in individuals affected with BRCA2-related conditions. ClinVar contains an entry for this variant (Variation ID: 51740). Studies have shown that this premature translational stop signal is associated with inconclusive levels of altered splicing (PMID: 32398771). For these reasons, this variant has been classified as Pathogenic.

Ambry Genetics
Classification: Pathogenic for Hereditary cancer-predisposing syndrome. Last evaluated: 2024-01-29. Review status: criteria provided, single submitter. Criteria: Ambry Variant Classification Scheme 2023. Collection method: clinical testing. Allele origin: germline. Not counted in ClinVar's aggregate classification.
Comment: The p.L164* pathogenic mutation (also known as c.491T>A), located in coding exon 5 of the BRCA2 gene, results from a T to A substitution at nucleotide position 491. This changes the amino acid from a leucine to a stop codon within coding exon 5. This variant is considered to be rare based on population cohorts in the Genome Aggregation Database (gnomAD). In addition to the clinical data presented in the literature, this alteration is expected to result in loss of function by premature protein truncation or nonsense-mediated mRNA decay. As such, this alteration is interpreted as a disease-causing mutation.

Breast Cancer Information Core (BIC) (BRCA2)
Classification: Pathogenic for Breast-ovarian cancer, familial 2. Last evaluated: 2004-02-20. Review status: no assertion criteria provided. Collection method: clinical testing. Allele origin: germline. Affected: yes. Observed: 2 variant alleles. Not counted in ClinVar's aggregate classification.

Literature cited by the submitters: PubMed 20104584 (cited by Labcorp Genetics (formerly Invitae), Labcorp); PubMed 32398771 (cited by Labcorp Genetics (formerly Invitae), Labcorp); PubMed 33573335 (cited by Ambry Genetics).

NM_000059.4(BRCA2):c.491T>A (p.Leu164Ter)

Gene: BRCA2 (BRCA2 DNA repair associated; plus strand). Cytogenetic location: 13q13.1.
Variant type: single nucleotide variant.
Coding change: c.491T>A on transcript NM_000059.4 (MANE Select); coding-DNA position 491, T replaced by A.
Protein change: p.Leu164Ter; replaces leucine 164 with a stop codon.
Molecular consequence: nonsense.
Genome position (GRCh38, 1-based): chr13:32,326,257, T>A. VCF-style: chr13-32326257-T-A. GRCh37 (hg19) VCF-style: chr13-32900394-T-A.
Other names: short protein forms L164*.
Identifiers: ClinVar variation 51740 (VCV000051740.4), dbSNP rs80358717, ClinGen allele CA021006.
Genomic context (GRCh38, chr13:32,326,257, plus strand): 5'-TAATAAAAATAAAACTTAACAATTTTCCCCTTTTTTTACCCCCAGTGGTATGTGGGAGTT[T>A]GTTTCATACACCAAAGTTTGTGAAGGTAAATATTCTACCTGGTTTATTTTTATGACTTAG-3'